The following is an entry in ClinVar:

NM_000548.5(TSC2):c.745G>C (p.Val249Leu)

Gene: TSC2 (TSC complex subunit 2; plus strand). Cytogenetic location: 16p13.3.
Variant type: single nucleotide variant.
Coding change: c.745G>C on transcript NM_000548.5 (MANE Select); coding-DNA position 745, G replaced by C.
Protein change: p.Val249Leu; replaces valine 249 with leucine.
Molecular consequence: missense variant.
Genome position (GRCh38, 1-based): chr16:2,056,740, G>C. VCF-style: chr16-2056740-G-C. GRCh37 (hg19) VCF-style: chr16-2106741-G-C.
Other names: c.745G>C, p.Val249Leu (NM_001077183.3, NM_001114382.3, NM_001363528.2 and 3 more transcripts); c.634G>C, p.Val212Leu (NM_001318827.2); c.598G>C, p.Val200Leu (NM_001318829.2); c.145G>C, p.Val49Leu (NM_001318831.2); c.778G>C, p.Val260Leu (NM_001318832.2); short protein forms V249L, V212L, V49L, V260L, V200L.
Identifiers: ClinVar variation 570781 (VCV000570781.17), dbSNP rs750649974, ClinGen allele CA056308.

ClinVar aggregate classification (germline): Conflicting classifications of pathogenicity. Review status: criteria provided, conflicting classifications (1 of 4 stars). 5 submissions from 5 submitters: Uncertain significance (3); Benign (1); Likely benign (1). Last evaluated 2025-03-26.

Conditions:
Tuberous sclerosis syndrome (TSC). Also called: Tuberous sclerosis; Tuberous Sclerosis Complex. Identifiers: Orphanet 805, MedGen C0041341, MONDO:0001734.
Tuberous sclerosis 2 (TSC2). Identifiers: Orphanet 805, MedGen C1860707, MONDO:0013199, OMIM 613254.
Hereditary cancer-predisposing syndrome. Also called: Hereditary neoplastic syndrome; Neoplastic Syndromes, Hereditary; Hereditary Cancer Syndrome; Tumor predisposition. Identifiers: Orphanet 140162, MedGen C0027672, MeSH D009386, MONDO:0015356.

Allele frequency attached by ClinVar (database versions not stated): TOPMed below 0.00001.

Submissions (5):

Labcorp Genetics (formerly Invitae), Labcorp
Classification: Benign for Tuberous sclerosis 2. Last evaluated: 2025-03-26. Review status: criteria provided, single submitter. Criteria: Invitae Variant Classification Sherloc (09022015). Collection method: clinical testing. Allele origin: germline.

Color Diagnostics, LLC DBA Color Health
Classification: Uncertain significance for Tuberous sclerosis syndrome. Last evaluated: 2024-03-06. Review status: criteria provided, single submitter. Criteria: ACMG Guidelines, 2015. Collection method: clinical testing. Allele origin: germline.
Comment: This missense variant replaces valine with leucine at codon 249 of the TSC2 protein. Computational prediction is inconclusive regarding the impact of this variant on protein structure and function. To our knowledge, functional studies have not been reported for this variant. This variant has not been reported in individuals affected with TSC2-related disorders in the literature. This variant has been identified in 1/249282 chromosomes in the general population by the Genome Aggregation Database (gnomAD). The available evidence is insufficient to determine the role of this variant in disease conclusively. Therefore, this variant is classified as a Variant of Uncertain Significance.

All of Us Research Program, National Institutes of Health
Classification: Uncertain significance for Tuberous sclerosis syndrome. Last evaluated: 2023-11-02. Review status: criteria provided, single submitter. Criteria: ACMG Guidelines, 2015. Collection method: clinical testing. Allele origin: germline. Inheritance: Autosomal dominant inheritance. Observed: 1 variant allele, 1 heterozygote.
Comment: This missense variant replaces valine with leucine at codon 249 of the TSC2 protein. Computational prediction is inconclusive regarding the impact of this variant on protein structure and function (internally defined REVEL score threshold 0.5 < inconclusive < 0.7, PMID: 27666373). To our knowledge, functional studies have not been reported for this variant. This variant has not been reported in individuals affected with tuberous sclerosis complex in the literature. This variant has been identified in 1/249282 chromosomes in the general population by the Genome Aggregation Database (gnomAD). The available evidence is insufficient to determine the role of this variant in disease conclusively. Therefore, this variant is classified as a Variant of Uncertain Significance.

This study involves interpretation of variants in research participants for the purpose of population health screening. Participant phenotype was not available at the time of variant classification. Additional details can be found in publication PMID: 35346344, PMCID: PMC8962531

Ambry Genetics
Classification: Likely benign for Hereditary cancer-predisposing syndrome. Last evaluated: 2023-01-12. Review status: criteria provided, single submitter. Criteria: Ambry Variant Classification Scheme 2023. Collection method: clinical testing. Allele origin: germline.

Genome-Nilou Lab
Classification: Uncertain significance for Tuberous sclerosis 2. Last evaluated: 2021-11-07. Review status: criteria provided, single submitter. Criteria: ACMG Guidelines, 2015. Collection method: clinical testing. Allele origin: germline. Affected: no.